The following is an entry in ClinVar:

NM_015910.7(WDPCP):c.25G>C (p.Ala9Pro)

Gene: WDPCP (WD repeat containing planar cell polarity effector; minus strand). Cytogenetic location: 2p15.
Variant type: single nucleotide variant.
Coding change: c.25G>C on transcript NM_015910.7 (MANE Select); coding-DNA position 25, G replaced by C.
Protein change: p.Ala9Pro; replaces alanine 9 with proline.
Molecular consequence: missense variant. On other transcripts: 5 prime UTR variant (1), non-coding transcript variant (2).
Genome position (GRCh38, 1-based): chr2:63,588,247, C>G on the plus strand (G>C on the coding strand, the complement: WDPCP is on the minus strand). VCF-style: chr2-63588247-C-G. GRCh37 (hg19) VCF-style: chr2-63815381-C-G.
Other names: c.-300G>C (NM_001354044.2); c.25G>C, p.Ala9Pro (NM_001354045.2); c.25G>C (NM_015910.5); short protein forms A9P.
Identifiers: ClinVar variation 1027318 (VCV001027318.9), dbSNP rs780151486, ClinGen allele CA1682658.

ClinVar aggregate classification (germline): Uncertain significance. Review status: criteria provided, multiple submitters, no conflicts (2 of 4 stars). 2 submissions from 2 submitters: Uncertain significance (2). Last evaluated 2025-01-15.

Conditions:
Bardet-Biedl syndrome (BBS). Identifiers: Orphanet 110, MedGen C0752166, MONDO:0015229.
WDPCP-related disorder. Also called: WDPCP-related condition.

Allele frequency attached by ClinVar (database versions not stated): gnomAD exomes 0.00003; ExAC 0.00004.
gnomAD v4.1: 14 of 1,577,984 alleles (0.00089%); highest among the groups gnomAD compares: South Asian, 0.015%; no homozygotes.

Submissions (2):

Labcorp Genetics (formerly Invitae), Labcorp
Classification: Uncertain significance for Bardet-Biedl syndrome. Last evaluated: 2025-01-15. Review status: criteria provided, single submitter. Criteria: Invitae Variant Classification Sherloc (09022015). Collection method: clinical testing. Allele origin: germline.
Comment: This sequence change replaces alanine, which is neutral and non-polar, with proline, which is neutral and non-polar, at codon 9 of the WDPCP protein (p.Ala9Pro). This variant is present in population databases (rs780151486, gnomAD 0.02%). This variant has not been reported in the literature in individuals affected with WDPCP-related conditions. ClinVar contains an entry for this variant (Variation ID: 1027318). An algorithm developed to predict the effect of missense changes on protein structure and function outputs the following: PolyPhen-2: "Benign". The proline amino acid residue is found in multiple mammalian species, which suggests that this missense change does not adversely affect protein function. In summary, the available evidence is currently insufficient to determine the role of this variant in disease. Therefore, it has been classified as a Variant of Uncertain Significance.

PreventionGenetics, part of Exact Sciences
Classification: Uncertain significance for WDPCP-related condition. Last evaluated: 2024-11-04. Review status: criteria provided, single submitter. Criteria: ACMG Guidelines, 2015. Collection method: clinical testing. Allele origin: germline.
Comment: The WDPCP c.25G>C variant is predicted to result in the amino acid substitution p.Ala9Pro. To our knowledge, this variant has not been reported in the literature. This variant is reported in 0.020% of alleles in individuals of South Asian descent in gnomAD. At this time, the clinical significance of this variant is uncertain due to the absence of conclusive functional and genetic evidence.